The following is an entry in ClinVar:

ClinVar aggregate classification (germline): Uncertain significance (1 of 4 stars; one submission).

Conditions:
Inborn genetic diseases. Identifiers: MedGen C0950123, MeSH D030342.

Submission:

Ambry Genetics
Classification: Uncertain significance for Inborn genetic diseases. Last evaluated: 2025-01-06. Review status: criteria provided, single submitter. Criteria: Ambry Variant Classification Scheme 2023. Collection method: clinical testing. Allele origin: germline.
Comment: The p.V234L variant (also known as c.700G>C), located in coding exon 8 of the DDX41 gene, results from a G to C substitution at nucleotide position 700. The valine at codon 234 is replaced by leucine, an amino acid with highly similar properties. This amino acid position is conserved. In addition, the in silico prediction for this alteration is inconclusive. Based on the available evidence, the clinical significance of this variant remains unclear.

NM_016222.4(DDX41):c.700G>C (p.Val234Leu)

Gene: DDX41 (DEAD-box helicase 41; minus strand). Cytogenetic location: 5q35.3.
Variant type: single nucleotide variant.
Coding change: c.700G>C on transcript NM_016222.4 (MANE Select); coding-DNA position 700, G replaced by C.
Protein change: p.Val234Leu; replaces valine 234 with leucine.
Molecular consequence: missense variant.
Genome position (GRCh38, 1-based): chr5:177,515,014, C>G on the plus strand (G>C on the coding strand, the complement: DDX41 is on the minus strand). VCF-style: chr5-177515014-C-G. GRCh37 (hg19) VCF-style: chr5-176942015-C-G.
Other names: c.322G>C, p.Val108Leu (NM_001321732.2, NM_001321830.2); short protein forms V108L, V234L.
Identifiers: ClinVar variation 3838981 (VCV003838981.1).